The following is an entry in ClinVar:

ClinVar aggregate classification (germline): Uncertain significance (1 of 4 stars; one submission).

Allele frequency attached by ClinVar (database versions not stated): gnomAD 0.00001.
gnomAD v4.1: 13 of 1,607,926 alleles (0.00081%); highest among the groups gnomAD compares: South Asian, 0.012%; no homozygotes.

Submission:

GeneDx
Classification: Uncertain significance. Last evaluated: 2022-02-25. Review status: criteria provided, single submitter. Criteria: GeneDx Variant Classification Process June 2021. Collection method: clinical testing. Allele origin: germline. Affected: yes.
Comment: In silico analysis supports that this missense variant has a deleterious effect on protein structure/function; Has not been previously published as pathogenic or benign to our knowledge

NM_001244008.2(KIF1A):c.2291C>G (p.Thr764Arg)

Gene: KIF1A (kinesin family member 1A; minus strand). Cytogenetic location: 2q37.3.
Variant type: single nucleotide variant.
Coding change: c.2291C>G on transcript NM_001244008.2 (MANE Select); coding-DNA position 2291, C replaced by G.
Protein change: p.Thr764Arg; replaces threonine 764 with arginine.
Molecular consequence: missense variant.
Genome position (GRCh38, 1-based): chr2:240,760,818, G>C on the plus strand (C>G on the coding strand, the complement: KIF1A is on the minus strand). VCF-style: chr2-240760818-G-C. GRCh37 (hg19) VCF-style: chr2-241700235-G-C.
Other names: c.2291C>G, p.Thr764Arg (NM_001320705.2, NM_001330289.2, NM_001379638.1); c.2366C>G, p.Thr789Arg (NM_001330290.2, NM_001379631.1, NM_001379634.1 and 2 more transcripts); c.2264C>G, p.Thr755Arg (NM_001379632.1, NM_001379633.1, NM_001379636.1 and 10 more transcripts); c.2339C>G, p.Thr780Arg (NM_001379637.1, NM_001379648.1); short protein forms T755R, T764R, T780R, T789R.
Identifiers: ClinVar variation 1703315 (VCV001703315.2), dbSNP rs1371683732, ClinGen allele CA351325108.
Genomic context (GRCh38, chr2:240,760,818, plus strand): 5'-CGGTCTTTGGCGGCCTCTGGGGGCAGCAGGTCGGGTGGCAGAGGGGAGTAGAGTGTGTCC[G>C]TCAGGAGGACAAACTGGAATTGTACCTGTGACAGGGGAAGATGACCACTCGTCAGCTCCT-3'
Protein context (NP_001230937.1, residues 754-774): KKVQFQFVLL[Thr764Arg]DTLYSPLPPD